The following is an entry in ClinVar:

ClinVar aggregate classification (germline): Likely pathogenic (1 of 4 stars; one submission).

Conditions:
Galactosemia. Also called: Galactose intolerance. Identifiers: Orphanet 352, MedGen C0016952, MONDO:0018116, HP:0004919. Disease mechanism: loss of function.

Submission:

Natera, Inc.
Classification: Likely pathogenic for Galactosemia. Last evaluated: 2024-12-04. Review status: criteria provided, single submitter. Criteria: Natera Variant Classification Schema (03/2026). Collection method: clinical testing. Allele origin: germline.
Comment: The c.687+2T>G variant in GALT is a canonical splice donor site variant predicted to affect pre-mRNA splicing, which may result in an abnormal transcript and altered protein product. This variant is expected to result in nonsense mediated decay, truncation, or a dysfunctional protein product. This variant is rare in the general population with a frequency below the threshold expected for the associated phenotype(s). Given the available evidence, this variant is classified as Likely Pathogenic.

NM_000155.4(GALT):c.687+2T>G

Gene: GALT (galactose-1-phosphate uridylyltransferase; plus strand). Cytogenetic location: 9p13.3.
Variant type: single nucleotide variant.
Coding change: c.687+2T>G on transcript NM_000155.4 (MANE Select); the canonical splice donor site of the intron after coding-DNA position 687, T replaced by G.
Molecular consequence: splice donor variant.
Genome position (GRCh38, 1-based): chr9:34,648,458, T>G. VCF-style: chr9-34648458-T-G. GRCh37 (hg19) VCF-style: chr9-34648455-T-G.
Other names: c.360+2T>G (NM_001258332.2).
Identifiers: ClinVar variation 4817639 (VCV004817639.1).